The following is an entry in ClinVar:

ClinVar aggregate classification (germline): Likely benign (1 of 4 stars; one submission).

gnomAD v4.1: 32 of 457,252 alleles (0.007%); highest among the groups gnomAD compares: Middle Eastern, 0.065%; no homozygotes.

Submission:

CeGaT Center for Human Genetics Tuebingen
Classification: Likely benign. Last evaluated: 2025-02-01. Review status: criteria provided, single submitter. Criteria: CeGaT Center For Human Genetics Tuebingen Variant Classification Criteria Version 2. Collection method: clinical testing. Allele origin: germline. Affected: yes. Observed: 1 variant allele.
Comment: MED25: BP4, BP7

NM_001378355.1(MED25):c.2217G>A (p.Val739=)

Genes: MED25 (mediator complex subunit 25; plus strand), PTOV1-AS1 (PTOV1 antisense RNA 1; minus strand). Cytogenetic location: 19q13.33.
Variant type: single nucleotide variant.
Coding change: c.2217G>A on transcript NM_001378355.1; coding-DNA position 2217, G replaced by A.
Protein change: p.Val739=; no amino-acid change (valine 739 retained).
Molecular consequence: synonymous variant. On other transcripts: non-coding transcript variant (1).
Genome position (GRCh38, 1-based): chr19:49,838,650, G>A. VCF-style: chr19-49838650-G-A. GRCh37 (hg19) VCF-style: chr19-50341907-G-A.
Identifiers: ClinVar variation 3771016 (VCV003771016.13).